The following is an entry in ClinVar:

NM_004006.3(DMD):c.9562dup (p.Thr3188fs)

Gene: DMD (dystrophin; minus strand). Cytogenetic location: Xp21.2.
Variant type: Duplication.
Coding change: c.9562dup on transcript NM_004006.3 (MANE Select); coding-DNA position 9562, one base duplicated (A; older notation c.9562dupA).
Protein change: p.Thr3188fs; shifts the reading frame from threonine 3188.
Molecular consequence: frameshift variant.
Genome position (GRCh38, 1-based): chrX:31,209,499, T duplicated on the plus strand (A on the coding strand, the reverse complement: DMD is on the minus strand). VCF-style (leftmost placement, unchanged base first): chrX-31209498-G-GT. GRCh37 (hg19) VCF-style: chrX-31227615-G-GT.
Other names: c.9538dup, p.Thr3180fs (NM_000109.4); c.9550dup, p.Thr3184fs (NM_004009.3); c.9193dup, p.Thr3065fs (NM_004010.3); c.5539dup, p.Thr1847fs (NM_004011.4); c.5530dup, p.Thr1844fs (NM_004012.4); c.2182dup, p.Thr728fs (NM_004013.3, NM_004020.4, NM_004021.3 and 2 more transcripts); c.1375dup, p.Thr459fs (NM_004014.3); c.358dup, p.Thr120fs (NM_004015.3, NM_004016.3, NM_004017.3 and 2 more transcripts); short protein forms T3184fs, T1844fs, T120fs, T1847fs, T3180fs, T459fs, T728fs, T3065fs.
Identifiers: ClinVar variation 2002939 (VCV002002939.4), dbSNP rs2521424016, ClinGen allele CA2580100572.

ClinVar aggregate classification (germline): Pathogenic (1 of 4 stars; one submission).

Conditions:
Duchenne muscular dystrophy (DMD). Also called: MUSCULAR DYSTROPHY, PSEUDOHYPERTROPHIC PROGRESSIVE, DUCHENNE TYPE; Duchenne Muscular Dystrophy (DMD). Identifiers: Orphanet 98896, MedGen C0013264, MONDO:0010679, OMIM 310200.

Submission:

Labcorp Genetics (formerly Invitae), Labcorp
Classification: Pathogenic for Duchenne muscular dystrophy. Last evaluated: 2022-06-07. Review status: criteria provided, single submitter. Criteria: Invitae Variant Classification Sherloc (09022015). Collection method: clinical testing. Allele origin: germline.
Comment: This variant is not present in population databases (gnomAD no frequency). This variant has not been reported in the literature in individuals affected with DMD-related conditions. For these reasons, this variant has been classified as Pathogenic. This sequence change creates a premature translational stop signal (p.Thr3188Asnfs*13) in the DMD gene. It is expected to result in an absent or disrupted protein product. Loss-of-function variants in DMD are known to be pathogenic (PMID: 16770791, 25007885).

Literature cited by the submitters: PubMed 16770791; PubMed 25007885.